The following is an entry in ClinVar:

NC_000016.10:g.(?_2076471)_(2085342_?)del

Gene: TSC2 (TSC complex subunit 2; plus strand). Cytogenetic location: 16p13.3.
Variant type: Deletion.
Identifiers: ClinVar variation 831080 (VCV000831080.7).

ClinVar aggregate classification (germline): Likely pathogenic (1 of 4 stars; one submission).

Conditions:
Tuberous sclerosis 2 (TSC2). Identifiers: Orphanet 805, MedGen C1860707, MONDO:0013199, OMIM 613254.

Submission:

Labcorp Genetics (formerly Invitae), Labcorp
Classification: Likely pathogenic for Tuberous sclerosis 2. Last evaluated: 2020-10-01. Review status: criteria provided, single submitter. Criteria: Invitae Variant Classification Sherloc (09022015). Collection method: clinical testing. Allele origin: germline.
Comment: In summary, the currently available evidence indicates that the variant is pathogenic, but additional data are needed to prove that conclusively. Therefore, this variant has been classified as Likely Pathogenic. This variant disrupts the p.Arg1200 amino acid residue in TSC2. Other variant(s) that disrupt this residue have been determined to be pathogenic (PMID:¬†8824881, 22867869, 28149746, 21332470, 25039834, 18792920, 9463313). This suggests that this residue is clinically-significant, and that variants that disrupt this residue are likely to be disease-causing. This variant has not been reported in the literature in individuals with TSC2-related conditions. This variant is an in-frame deletion of the genomic region encompassing exons 25-36 of the TSC2 gene. It preserves the integrity of the reading frame.